The following is an entry in ClinVar:

ClinVar aggregate classification (germline): Uncertain significance (1 of 4 stars; one submission).

gnomAD v4.1: 6 of 1,611,582 alleles (0.00037%); highest among the groups gnomAD compares: African/African-American, 0.0053%; no homozygotes.

Submission:

Labcorp Genetics (formerly Invitae), Labcorp
Classification: Uncertain significance. Last evaluated: 2024-09-02. Review status: criteria provided, single submitter. Criteria: Invitae Variant Classification Sherloc (09022015). Collection method: clinical testing. Allele origin: germline.
Comment: This sequence change replaces proline, which is neutral and non-polar, with threonine, which is neutral and polar, at codon 806 of the TNNI3K protein (p.Pro806Thr). This variant is not present in population databases (gnomAD no frequency). This variant has not been reported in the literature in individuals affected with TNNI3K-related conditions. An algorithm developed to predict the effect of missense changes on protein structure and function outputs the following: PolyPhen-2: "Benign". The threonine amino acid residue is found in multiple mammalian species, which suggests that this missense change does not adversely affect protein function. In summary, the available evidence is currently insufficient to determine the role of this variant in disease. Therefore, it has been classified as a Variant of Uncertain Significance.

NM_015978.3(TNNI3K):c.2416C>A (p.Pro806Thr)

Genes: TNNI3K (TNNI3 interacting kinase; plus strand), FPGT-TNNI3K (FPGT-TNNI3K readthrough; plus strand). Cytogenetic location: 1p31.1.
Variant type: single nucleotide variant.
Coding change: c.2416C>A on transcript NM_015978.3 (MANE Select); coding-DNA position 2416, C replaced by A.
Protein change: p.Pro806Thr; replaces proline 806 with threonine.
Molecular consequence: missense variant.
Genome position (GRCh38, 1-based): chr1:74,540,298, C>A. VCF-style: chr1-74540298-C-A. GRCh37 (hg19) VCF-style: chr1-75005982-C-A.
Other names: c.2719C>A, p.Pro907Thr (NM_001112808.3); short protein forms P806T, P907T.
Identifiers: ClinVar variation 3713138 (VCV003713138.2).